The following is an entry in ClinVar:

NM_006348.5(COG5):c.452_453delinsAA (p.Ile151Lys)

Gene: COG5 (component of oligomeric golgi complex 5; minus strand). Cytogenetic location: 7q22.3.
Variant type: Indel.
Coding change: c.452_453delinsAA on transcript NM_006348.5 (MANE Select); coding-DNA positions 452 to 453, TC replaced by AA.
Protein change: p.Ile151Lys; replaces isoleucine 151 with lysine.
Molecular consequence: missense variant. On other transcripts: intron variant (1).
Genome position (GRCh38, 1-based): chr7:107,527,322-107,527,323, GA replaced by TT on the plus strand (TC replaced by AA on the coding strand, the reverse complement: COG5 is on the minus strand). VCF-style: chr7-107527322-GA-TT. GRCh37 (hg19) VCF-style: chr7-107167767-GA-TT.
Other names: c.452_453delinsAA, p.Ile151Lys (NM_001161520.2, NM_001379511.1, NM_001379512.1 and 4 more transcripts); c.234+30653_234+30654delinsAA (NM_001379516.1); short protein forms I151K.
Identifiers: ClinVar variation 1385799 (VCV001385799.6), dbSNP rs2129156929, ClinGen allele CA2573141433.

ClinVar aggregate classification (germline): Uncertain significance (1 of 4 stars; one submission).

Conditions:
COG5-congenital disorder of glycosylation. Also called: CONGENITAL DISORDER OF GLYCOSYLATION, TYPE IIi; CDG IIi; COG5-CDG. Identifiers: Orphanet 263487, MedGen C3150876, MONDO:0013325, OMIM 613612.

Submission:

Labcorp Genetics (formerly Invitae), Labcorp
Classification: Uncertain significance for COG5-congenital disorder of glycosylation. Last evaluated: 2022-06-13. Review status: criteria provided, single submitter. Criteria: Invitae Variant Classification Sherloc (09022015). Collection method: clinical testing. Allele origin: germline.
Comment: In summary, the available evidence is currently insufficient to determine the role of this variant in disease. Therefore, it has been classified as a Variant of Uncertain Significance. Algorithms developed to predict the effect of missense changes on protein structure and function are either unavailable or do not agree on the potential impact of this missense change (SIFT: "Not Available"; PolyPhen-2: "Probably Damaging"; Align-GVGD: "Not Available"). This variant has not been reported in the literature in individuals affected with COG5-related conditions. Information on the frequency of this variant in the gnomAD database is not available, as this variant may be reported differently in the database. This sequence change replaces isoleucine with lysine at codon 182 of the COG5 protein (p.Ile182Lys). The isoleucine residue is moderately conserved and there is a moderate physicochemical difference between isoleucine and lysine.